The following is an entry in ClinVar:

ClinVar aggregate classification (germline): Uncertain significance (1 of 4 stars; one submission).

Conditions:
Pseudohypoparathyroidism type I A (PHP1A). Also called: PHP IA; Pseudohypoparathyroidism type 1A; Pseudohypoparathyroidism Type IA; Pseudohypoparathyroidism Ia (PHP-Ia); ALBRIGHT HEREDITARY OSTEODYSTROPHY WITH MULTIPLE HORMONE RESISTANCE. Identifiers: Orphanet 79443, MedGen C3494506, MONDO:0007078, OMIM 103580.

Submission:

3billion
Classification: Uncertain significance for Pseudohypoparathyroidism type I A. Last evaluated: 2022-03-22. Review status: criteria provided, single submitter. Criteria: ACMG Guidelines, 2015. Collection method: clinical testing. Allele origin: germline. Affected: yes. Observed: 1 heterozygote.
Comment: The variant is not observed in the gnomAD v2.1.1 dataset. In silico tool predictions suggest damaging effect of the variant on gene or gene product (REVEL: 0.642>=0.6, 3CNET: 0.816>=0.75). A missense variant is a common mechanism . Therefore, this variant is classified as uncertain significance according to the recommendation of ACMG/AMP guideline.

NM_000516.7(GNAS):c.950G>A (p.Arg317His)

Gene: GNAS (GNAS complex locus; plus strand). Cytogenetic location: 20q13.32.
Variant type: single nucleotide variant.
Coding change: c.950G>A on transcript NM_000516.7 (MANE Select); coding-DNA position 950, G replaced by A.
Protein change: p.Arg317His; replaces arginine 317 with histidine.
Molecular consequence: missense variant. On other transcripts: 3 prime UTR variant (2).
Genome position (GRCh38, 1-based): chr20:58,910,061, G>A. VCF-style: chr20-58910061-G-A. GRCh37 (hg19) VCF-style: chr20-57485116-G-A.
Other names: c.953G>A, p.Arg318His (NM_001077488.5); c.905G>A, p.Arg302His (NM_001077489.4); c.*811G>A (NM_001077490.3); c.773G>A, p.Arg258His (NM_001309840.2, NM_001309861.2); c.*856G>A (NM_016592.5); c.2879G>A, p.Arg960His (NM_080425.4); c.908G>A, p.Arg303His (NM_080426.4); short protein forms R258H, R302H, R303H, R317H, R318H, R960H.
Identifiers: ClinVar variation 1526066 (VCV001526066.1), dbSNP rs1369025856, ClinGen allele CA409453335.